The following is an entry in ClinVar:

NM_000218.3(KCNQ1):c.1394-7975G>A

Genes: KCNQ1 (potassium voltage-gated channel subfamily Q member 1; plus strand), KCNQ1OT1 (KCNQ1 opposite strand/antisense transcript 1; minus strand). Cytogenetic location: 11p15.5.
Variant type: single nucleotide variant.
Coding change: c.1394-7975G>A on transcript NM_000218.3 (MANE Select); 7975 bases into the intron before coding-DNA position 1394, G replaced by A.
Molecular consequence: intron variant. On other transcripts: non-coding transcript variant (1).
Genome position (GRCh38, 1-based): chr11:2,653,986, G>A. VCF-style: chr11-2653986-G-A. GRCh37 (hg19) VCF-style: chr11-2675216-G-A.
Other names: c.1124-7975G>A (NM_001406837.1); c.1298-7975G>A (NM_001406836.1); c.854-7975G>A (NM_001406838.1); c.1013-7975G>A (NM_181798.2).
Identifiers: ClinVar variation 4822306 (VCV004822306.4).

ClinVar aggregate classification (germline): Benign (1 of 4 stars; one submission).

gnomAD v4.1: 184 of 398,694 alleles (0.046%); highest among the groups gnomAD compares: African/African-American, 0.31%; 2 homozygotes.

Submission:

CeGaT Center for Human Genetics Tuebingen
Classification: Benign. Last evaluated: 2026-02-01. Review status: criteria provided, single submitter. Criteria: CeGaT Center For Human Genetics Tuebingen Variant Classification Criteria Version 2. Collection method: clinical testing. Allele origin: germline. Affected: yes. Observed: 1 variant allele.
Comment: KCNQ1OT1: BS1, BS2